The following is an entry in ClinVar:

NM_003242.6(TGFBR2):c.938G>T (p.Arg313Leu)

Gene: TGFBR2 (transforming growth factor beta receptor 2; plus strand). Cytogenetic location: 3p24.1.
Variant type: single nucleotide variant.
Coding change: c.938G>T on transcript NM_003242.6 (MANE Select); coding-DNA position 938, G replaced by T.
Protein change: p.Arg313Leu; replaces arginine 313 with leucine.
Molecular consequence: missense variant.
Genome position (GRCh38, 1-based): chr3:30,672,121, G>T. VCF-style: chr3-30672121-G-T. GRCh37 (hg19) VCF-style: chr3-30713613-G-T.
Other names: c.1013G>T, p.Arg338Leu (NM_001024847.3); c.1121G>T, p.Arg374Leu (NM_001407126.1); c.1046G>T, p.Arg349Leu (NM_001407127.1); c.965G>T, p.Arg322Leu (NM_001407128.1); c.941G>T, p.Arg314Leu (NM_001407129.1); c.938G>T, p.Arg313Leu (NM_001407130.1); c.833G>T, p.Arg278Leu (NM_001407132.1, NM_001407133.1, NM_001407134.1 and 2 more transcripts); c.653G>T, p.Arg218Leu (NM_001407137.1); and 1 more; short protein forms R338L, R313L, R322L, R349L, R278L, R193L, R218L, R314L.
Identifiers: ClinVar variation 843437 (VCV000843437.16), dbSNP rs200361387, ClinGen allele CA050258.

ClinVar aggregate classification (germline): Uncertain significance. Review status: criteria provided, multiple submitters, no conflicts (2 of 4 stars). 5 submissions from 5 submitters: Uncertain significance (5). Last evaluated 2024-07-10.

Conditions:
Familial thoracic aortic aneurysm and aortic dissection (TAAD). Also called: Thoracic aortic aneurysms and dissections. Identifiers: Orphanet 91387, MedGen C4707243, MONDO:0019625.
Loeys-Dietz syndrome 2 (LDS2). Also called: TGFBR2-Related Loeys-Dietz Syndrome; AORTIC ANEURYSM, FAMILIAL THORACIC 3; MARFAN SYNDROME, TYPE II; Marfan Syndrome type 2; Marfan like connective tissue disorder; MFS 2. Identifiers: Orphanet 284973, Orphanet 558, MedGen C2674574, MONDO:0012427, OMIM 610168.

Allele frequency attached by ClinVar (database versions not stated): TOPMed 0.00001.
gnomAD v4.1: 9 of 1,614,156 alleles (0.00056%); highest among the groups gnomAD compares: Non-Finnish European, 0.00076%; no homozygotes.

Submissions (5):

All of Us Research Program, National Institutes of Health
Classification: Uncertain significance for Loeys-Dietz syndrome 2. Last evaluated: 2024-07-10. Review status: criteria provided, single submitter. Criteria: ACMG Guidelines, 2015. Collection method: clinical testing. Allele origin: germline. Inheritance: Autosomal dominant inheritance. Observed: 3 variant alleles, 3 heterozygotes.
Comment: This missense variant replaces arginine with leucine at codon 313 of the TGFBR2 protein. Computational prediction is inconclusive regarding the impact of this variant on protein structure and function (internally defined REVEL score threshold 0.5 < inconclusive < 0.7, PMID: 27666373). To our knowledge, functional studies have not been reported for this variant. This variant has not been reported in individuals affected with TGFBR2-related disorders in the literature. This variant has been identified in 1/251058 chromosomes in the general population by the Genome Aggregation Database (gnomAD). The available evidence is insufficient to determine the role of this variant in disease conclusively. Therefore, this variant is classified as a Variant of Uncertain Significance.

This study involves interpretation of variants in research participants for the purpose of population health screening. Participant phenotype was not available at the time of variant classification. Additional details can be found in publication PMID: 35346344, PMCID: PMC8962531

Ambry Genetics
Classification: Uncertain significance for Familial thoracic aortic aneurysm and aortic dissection. Last evaluated: 2024-02-22. Review status: criteria provided, single submitter. Criteria: Ambry Variant Classification Scheme 2023. Collection method: clinical testing. Allele origin: germline.
Comment: The p.R313L variant (also known as c.938G>T), located in coding exon 4 of the TGFBR2 gene, results from a G to T substitution at nucleotide position 938. The arginine at codon 313 is replaced by leucine, an amino acid with dissimilar properties. This amino acid position is conserved. In addition, this alteration is predicted to be deleterious by in silico analysis. Based on the available evidence, the clinical significance of this alteration remains unclear.

Labcorp Genetics (formerly Invitae), Labcorp
Classification: Uncertain significance for Familial thoracic aortic aneurysm and aortic dissection. Last evaluated: 2023-12-13. Review status: criteria provided, single submitter. Criteria: Invitae Variant Classification Sherloc (09022015). Collection method: clinical testing. Allele origin: germline.
Comment: This sequence change replaces arginine, which is basic and polar, with leucine, which is neutral and non-polar, at codon 313 of the TGFBR2 protein (p.Arg313Leu). This variant is present in population databases (rs200361387, gnomAD 0.0009%). This variant has not been reported in the literature in individuals affected with TGFBR2-related conditions. ClinVar contains an entry for this variant (Variation ID: 843437). Advanced modeling of protein sequence and biophysical properties (such as structural, functional, and spatial information, amino acid conservation, physicochemical variation, residue mobility, and thermodynamic stability) performed at Invitae indicates that this missense variant is expected to disrupt TGFBR2 protein function with a positive predictive value of 95%. In summary, the available evidence is currently insufficient to determine the role of this variant in disease. Therefore, it has been classified as a Variant of Uncertain Significance.

Color Diagnostics, LLC DBA Color Health
Classification: Uncertain significance for Familial thoracic aortic aneurysm and aortic dissection. Last evaluated: 2023-08-24. Review status: criteria provided, single submitter. Criteria: ACMG Guidelines, 2015. Collection method: clinical testing. Allele origin: germline.
Comment: This missense variant replaces arginine with leucine at codon 313 of the TGFBR2 protein. Computational prediction is inconclusive regarding the impact of this variant on protein structure and function (internally defined REVEL score threshold 0.5 < inconclusive < 0.7, PMID: 27666373). To our knowledge, functional studies have not been reported for this variant. This variant has not been reported in individuals affected with TGFBR2-related disorders in the literature. This variant has been identified in 1/251058 chromosomes in the general population by the Genome Aggregation Database (gnomAD). The available evidence is insufficient to determine the role of this variant in disease conclusively. Therefore, this variant is classified as a Variant of Uncertain Significance.

GeneDx
Classification: Uncertain significance. Last evaluated: 2019-11-01. Review status: criteria provided, single submitter. Criteria: GeneDx Variant Classification Process June 2021. Collection method: clinical testing. Allele origin: germline. Affected: yes.
Comment: Has not been previously published as pathogenic or benign to our knowledge; Not observed at a significant frequency in large population cohorts (Lek et al., 2016); In silico analysis, which includes protein predictors and evolutionary conservation, supports a deleterious effect